The following is an entry in ClinVar:

NM_016390.4(SPOUT1):c.408del (p.Gln137fs)

Genes: KYAT1-SPOUT1 (KYAT1-SPOUT1 readthrough; minus strand), SPOUT1 (SPOUT domain containing methyltransferase 1; minus strand). Cytogenetic location: 9q34.11.
Variant type: Deletion.
Coding change: c.408del on transcript NM_016390.4 (MANE Select); coding-DNA position 408, one base deleted (G; older notation c.408delG).
Protein change: p.Gln137fs; shifts the reading frame from glutamine 137.
Molecular consequence: frameshift variant. On other transcripts: non-coding transcript variant (2).
Genome position (GRCh38, 1-based): chr9:128,826,590, C deleted on the plus strand (G on the coding strand, the reverse complement: SPOUT1 is on the minus strand); the first of 4 consecutive C bases (chr9:128,826,590-128,826,593); deleting any one gives the same sequence. VCF-style (leftmost placement, unchanged base first): chr9-128826589-GC-G. GRCh37 (hg19) VCF-style: chr9-131588868-GC-G.
Other names: c.1755del, p.Gln586fs (NM_001414398.1); short protein forms Q137fs, Q586fs.
Identifiers: ClinVar variation 4982157 (VCV004982157.1).

ClinVar aggregate classification (germline): Uncertain significance (1 of 4 stars; one submission).

Conditions:
SPOUT1-related disorder. Also called: SPOUT1-related condition.

Submission:

PreventionGenetics, part of Exact Sciences
Classification: Uncertain significance for SPOUT1-related condition. Last evaluated: 2025-10-16. Review status: criteria provided, single submitter. Criteria: ACMG Guidelines, 2015. Collection method: clinical testing. Allele origin: germline.
Comment: The SPOUT1 c.408delG variant is predicted to result in a frameshift and premature protein termination (p.Gln137Argfs*19). To our knowledge, this variant has not been reported in the literature or in a large population database (gnomAD), indicating this variant is rare. Loss of function has not been conclusively established as a mechanism for SPOUT1-related disorders. Although we suspect that this variant may be pathogenic, at this time, the clinical significance of this variant is uncertain due to the absence of conclusive functional and genetic evidence.